The following is an entry in ClinVar:

NM_004369.4(COL6A3):c.3710T>G (p.Leu1237Arg)

Gene: COL6A3 (collagen type VI alpha 3 chain; minus strand). Cytogenetic location: 2q37.3.
Variant type: single nucleotide variant.
Coding change: c.3710T>G on transcript NM_004369.4 (MANE Select); coding-DNA position 3710, T replaced by G.
Protein change: p.Leu1237Arg; replaces leucine 1237 with arginine.
Molecular consequence: missense variant.
Genome position (GRCh38, 1-based): chr2:237,372,307, A>C on the plus strand (T>G on the coding strand, the complement: COL6A3 is on the minus strand). VCF-style: chr2-237372307-A-C. GRCh37 (hg19) VCF-style: chr2-238280950-A-C.
Other names: c.3092T>G, p.Leu1031Arg (NM_057167.4, NM_057165.5); c.2489T>G, p.Leu830Arg (NM_057164.5); c.1889T>G, p.Leu630Arg (NM_057166.5); short protein forms L630R, L1031R, L1237R, L830R.
Identifiers: ClinVar variation 2769533 (VCV002769533.3), dbSNP rs2469898070, ClinGen allele CA351199706.

ClinVar aggregate classification (germline): Uncertain significance (1 of 4 stars; one submission).

Conditions:
Bethlem myopathy 1A. Also called: Bethlem myopathy 1; Bethlem Muscular Dystrophy; MYOPATHY, BENIGN CONGENITAL, WITH CONTRACTURES. Identifiers: Orphanet 610, MedGen CN029274, MONDO:0024530, OMIM 158810.

Allele frequency attached by ClinVar (database versions not stated): gnomAD exomes below 0.00001.
gnomAD v4.1: 1 of 1,610,170 alleles (0.000062%); highest among the groups gnomAD compares: Non-Finnish European, 0.000085%; no homozygotes.

Submission:

Labcorp Genetics (formerly Invitae), Labcorp
Classification: Uncertain significance for Bethlem myopathy 1A. Last evaluated: 2023-10-17. Review status: criteria provided, single submitter. Criteria: Invitae Variant Classification Sherloc (09022015). Collection method: clinical testing. Allele origin: germline.
Comment: This sequence change replaces leucine, which is neutral and non-polar, with arginine, which is basic and polar, at codon 1237 of the COL6A3 protein (p.Leu1237Arg). This variant is not present in population databases (gnomAD no frequency). This variant has not been reported in the literature in individuals affected with COL6A3-related conditions. Advanced modeling of protein sequence and biophysical properties (such as structural, functional, and spatial information, amino acid conservation, physicochemical variation, residue mobility, and thermodynamic stability) performed at Invitae indicates that this missense variant is expected to disrupt COL6A3 protein function. In summary, the available evidence is currently insufficient to determine the role of this variant in disease. Therefore, it has been classified as a Variant of Uncertain Significance.